The following is an entry in ClinVar:

NM_005431.2(XRCC2):c.596T>G (p.Met199Arg)

Gene: XRCC2 (X-ray repair cross complementing 2; minus strand). Cytogenetic location: 7q36.1.
Variant type: single nucleotide variant.
Coding change: c.596T>G on transcript NM_005431.2 (MANE Select); coding-DNA position 596, T replaced by G.
Protein change: p.Met199Arg; replaces methionine 199 with arginine.
Molecular consequence: missense variant.
Genome position (GRCh38, 1-based): chr7:152,648,889, A>C on the plus strand (T>G on the coding strand, the complement: XRCC2 is on the minus strand). VCF-style: chr7-152648889-A-C. GRCh37 (hg19) VCF-style: chr7-152345974-A-C.
Other names: short protein forms M199R.
Identifiers: ClinVar variation 3224685 (VCV003224685.1), dbSNP rs149099078, ClinGen allele CA370198355.

ClinVar aggregate classification (germline): Uncertain significance (1 of 4 stars; one submission).

Conditions:
Hereditary cancer-predisposing syndrome. Also called: Tumor predisposition; Hereditary neoplastic syndrome; Hereditary Cancer Syndrome; Neoplastic Syndromes, Hereditary. Identifiers: Orphanet 140162, MedGen C0027672, MeSH D009386, MONDO:0015356.

Submission:

Ambry Genetics
Classification: Uncertain significance for Hereditary cancer-predisposing syndrome. Last evaluated: 2024-03-11. Review status: criteria provided, single submitter. Criteria: Ambry Variant Classification Scheme 2023. Collection method: clinical testing. Allele origin: germline.
Comment: The p.M199R variant (also known as c.596T>G), located in coding exon 3 of the XRCC2 gene, results from a T to G substitution at nucleotide position 596. The methionine at codon 199 is replaced by arginine, an amino acid with similar properties. This amino acid position is conserved. In addition, the in silico prediction for this alteration is inconclusive. Based on the available evidence, the clinical significance of this alteration remains unclear.